The following is an entry in ClinVar:

NM_000051.4(ATM):c.8774G>C (p.Gly2925Ala)

Genes: ATM (ATM serine/threonine kinase; plus strand), C11orf65 (chromosome 11 open reading frame 65; minus strand). Cytogenetic location: 11q22.3.
Variant type: single nucleotide variant.
Coding change: c.8774G>C on transcript NM_000051.4 (MANE Select); coding-DNA position 8774, G replaced by C.
Protein change: p.Gly2925Ala; replaces glycine 2925 with alanine.
Molecular consequence: missense variant. On other transcripts: intron variant (2).
Genome position (GRCh38, 1-based): chr11:108,353,868, G>C. VCF-style: chr11-108353868-G-C. GRCh37 (hg19) VCF-style: chr11-108224595-G-C.
Other names: c.640+32052C>G (NM_001330368.2); c.695-18576C>G (NM_001351110.2); c.8774G>C, p.Gly2925Ala (NM_001351834.2); short protein forms G2925A.
Identifiers: ClinVar variation 578095 (VCV000578095.12), dbSNP rs769959260, ClinGen allele CA382524280.

ClinVar aggregate classification (germline): Uncertain significance. Review status: criteria provided, multiple submitters, no conflicts (2 of 4 stars). 2 submissions from 2 submitters: Uncertain significance (2). Last evaluated 2025-08-18.

Conditions:
Hereditary cancer-predisposing syndrome. Also called: Hereditary Cancer Syndrome; Neoplastic Syndromes, Hereditary; Tumor predisposition; Hereditary neoplastic syndrome. Identifiers: Orphanet 140162, MedGen C0027672, MeSH D009386, MONDO:0015356.
Ataxia-telangiectasia syndrome (AT). Also called: Cerebello-oculocutaneous telangiectasia; Immunodeficiency with ataxia telangiectasia; Ataxia-telangiectasia, complementation group E; Ataxia-telangiectasia, complementation group D; AT, COMPLEMENTATION GROUP C; ATAXIA-TELANGIECTASIA, COMPLEMENTATION GROUP A. Identifiers: Orphanet 100, MedGen C0004135, MONDO:0008840, OMIM 208900.

Submissions (2):

Ambry Genetics
Classification: Uncertain significance for Hereditary cancer-predisposing syndrome. Last evaluated: 2025-08-18. Review status: criteria provided, single submitter. Criteria: Ambry Variant Classification Scheme 2023. Collection method: clinical testing. Allele origin: germline.
Comment: The p.G2925A variant (also known as c.8774G>C), located in coding exon 59 of the ATM gene, results from a G to C substitution at nucleotide position 8774. The glycine at codon 2925 is replaced by alanine, an amino acid with similar properties. This amino acid position is highly conserved in available vertebrate species. In addition, this alteration is predicted to be deleterious by in silico analysis. Based on the available evidence, the clinical significance of this variant remains unclear.

Labcorp Genetics (formerly Invitae), Labcorp
Classification: Uncertain significance for Ataxia-telangiectasia syndrome. Last evaluated: 2024-12-17. Review status: criteria provided, single submitter. Criteria: Invitae Variant Classification Sherloc (09022015). Collection method: clinical testing. Allele origin: germline.
Comment: This sequence change replaces glycine, which is neutral and non-polar, with alanine, which is neutral and non-polar, at codon 2925 of the ATM protein (p.Gly2925Ala). This variant is not present in population databases (gnomAD no frequency). This variant has not been reported in the literature in individuals affected with ATM-related conditions. ClinVar contains an entry for this variant (Variation ID: 578095). Invitae Evidence Modeling of protein sequence and biophysical properties (such as structural, functional, and spatial information, amino acid conservation, physicochemical variation, residue mobility, and thermodynamic stability) indicates that this missense variant is expected to disrupt ATM protein function with a positive predictive value of 95%. In summary, the available evidence is currently insufficient to determine the role of this variant in disease. Therefore, it has been classified as a Variant of Uncertain Significance.